The following is an entry in ClinVar:

ClinVar aggregate classification (germline): Conflicting classifications of pathogenicity. Review status: criteria provided, conflicting classifications (1 of 4 stars). 5 submissions from 5 submitters: Uncertain significance (4); Likely benign (1). Last evaluated 2026-01-06.

Conditions:
Cardiovascular phenotype. Identifiers: MedGen CN230736.
Cardiomyopathy (CMYO). Also called: Cardiomyopathies. Identifiers: Orphanet 167848, MedGen C0878544, MONDO:0004994, HP:0001638. Inheritance: Various modes of inheritance.
Catecholaminergic polymorphic ventricular tachycardia 1. Also called: RYR2-Related Catecholaminergic Polymorphic Ventricular Tachycardia; VENTRICULAR TACHYCARDIA, STRESS-INDUCED POLYMORPHIC 1; VENTRICULAR TACHYCARDIA, CATECHOLAMINERGIC POLYMORPHIC, 1, WITH OR WITHOUT ATRIAL DYSFUNCTION AND/OR DILATED CARDIOMYOPATHY. Identifiers: Orphanet 3286, MedGen C1631597, MONDO:0011484, OMIM 604772.

Allele frequency attached by ClinVar (database versions not stated): gnomAD 0.00001; TOPMed 0.00001; gnomAD exomes 0.00004; ExAC 0.00005; 1000 Genomes Project 30x 0.00016; 1000 Genomes Project 0.00020.
gnomAD v4.1: 24 of 1,613,552 alleles (0.0015%); highest among the groups gnomAD compares: Non-Finnish European, 0.0012%; no homozygotes.

Submissions (5):

Labcorp Genetics (formerly Invitae), Labcorp
Classification: Uncertain significance for Catecholaminergic polymorphic ventricular tachycardia 1. Last evaluated: 2026-01-06. Review status: criteria provided, single submitter. Criteria: Invitae Variant Classification Sherloc (09022015). Collection method: clinical testing. Allele origin: germline.
Comment: This sequence change replaces methionine, which is neutral and non-polar, with threonine, which is neutral and polar, at codon 4256 of the RYR2 protein (p.Met4256Thr). This variant is present in population databases (rs530277653, gnomAD 0.01%). This variant has not been reported in the literature in individuals affected with RYR2-related conditions. ClinVar contains an entry for this variant (Variation ID: 155834). Invitae Evidence Modeling of protein sequence and biophysical properties (such as structural, functional, and spatial information, amino acid conservation, physicochemical variation, residue mobility, and thermodynamic stability) indicates that this missense variant is not expected to disrupt RYR2 protein function with a negative predictive value of 95%. In summary, the available evidence is currently insufficient to determine the role of this variant in disease. Therefore, it has been classified as a Variant of Uncertain Significance.

Color Diagnostics, LLC DBA Color Health
Classification: Uncertain significance for Cardiomyopathy. Last evaluated: 2025-06-03. Review status: criteria provided, single submitter. Criteria: ACMG Guidelines, 2015. Collection method: clinical testing. Allele origin: germline.
Comment: This missense variant replaces methionine with threonine at codon 4256 of the RYR2 protein. Computational prediction suggests that this variant may not impact protein structure and function. To our knowledge, functional studies have not been reported for this variant. This variant has not been reported in individuals affected with RYR2-related disorders in the literature. This variant has been identified in 11/278750 chromosomes in the general population by the Genome Aggregation Database (gnomAD). The available evidence is insufficient to determine the role of this variant in disease conclusively. Therefore, this variant is classified as a Variant of Uncertain Significance.

Blueprint Genetics
Classification: Likely benign. Last evaluated: 2024-01-11. Review status: criteria provided, single submitter. Criteria: ACMG Guidelines, 2015. Collection method: clinical testing. Allele origin: germline.

Ambry Genetics
Classification: Uncertain significance for Cardiovascular phenotype. Last evaluated: 2023-03-27. Review status: criteria provided, single submitter. Criteria: Ambry General Variant Classification Scheme_2022. Collection method: clinical testing. Allele origin: germline.
Comment: The p.M4256T variant (also known as c.12767T>C), located in coding exon 90 of the RYR2 gene, results from a T to C substitution at nucleotide position 12767. The methionine at codon 4256 is replaced by threonine, an amino acid with similar properties. This alteration was reported in a pediatric cardiomyopathy cohort (Ware SM et al. Am J Hum Genet, 2022 Feb;109:282-298). This amino acid position is not well conserved in available vertebrate species. In addition, this alteration is predicted to be tolerated by in silico analysis. Since supporting evidence is limited at this time, the clinical significance of this alteration remains unclear.

GeneDx
Classification: Uncertain significance. Last evaluated: 2021-07-30. Review status: criteria provided, single submitter. Criteria: GeneDx Variant Classification Process June 2021. Collection method: clinical testing. Allele origin: germline. Affected: yes.
Comment: Has not been previously published as pathogenic or benign to our knowledge; In silico analysis supports that this missense variant does not alter protein structure/function; Located in one of the three hot-spot regions of the RYR2 gene, where the majority of pathogenic missense variants occur (Medeiros-Domingo et al., 2009)

Literature cited by the submitters: PubMed 35026164 (cited by Ambry Genetics).

NM_001035.3(RYR2):c.12767T>C (p.Met4256Thr)

Genes: RYR2 (ryanodine receptor 2; plus strand), LOC126806068 (BRD4-independent group 4 enhancer GRCh37_chr1:237947411-237948610; plus strand). Cytogenetic location: 1q43.
Variant type: single nucleotide variant.
Coding change: c.12767T>C on transcript NM_001035.3 (MANE Select); coding-DNA position 12767, T replaced by C.
Protein change: p.Met4256Thr; replaces methionine 4256 with threonine.
Molecular consequence: missense variant.
Genome position (GRCh38, 1-based): chr1:237,784,479, T>C. VCF-style: chr1-237784479-T-C. GRCh37 (hg19) VCF-style: chr1-237947779-T-C.
Other names: c.12767T>C, p.Met4256Thr (LRG_402t1); short protein forms M4256T.
Identifiers: ClinVar variation 155834 (VCV000155834.10), dbSNP rs530277653, ClinGen allele CA007693.